The following is an entry in ClinVar:

NM_020719.3(PRR12):c.657C>T (p.Leu219=)

Gene: PRR12 (proline rich 12; plus strand). Cytogenetic location: 19q13.33.
Variant type: single nucleotide variant.
Coding change: c.657C>T on transcript NM_020719.3 (MANE Select); coding-DNA position 657, C replaced by T.
Protein change: p.Leu219=; no amino-acid change (leucine 219 retained).
Molecular consequence: synonymous variant.
Genome position (GRCh38, 1-based): chr19:49,594,992, C>T. VCF-style: chr19-49594992-C-T. GRCh37 (hg19) VCF-style: chr19-50098249-C-T.
Identifiers: ClinVar variation 730514 (VCV000730514.10), dbSNP rs373856538, ClinGen allele CA9577705.

ClinVar aggregate classification (germline): Likely benign. Review status: criteria provided, multiple submitters, no conflicts (2 of 4 stars). 2 submissions from 2 submitters: Likely benign (2). Last evaluated 2026-05-01.

Allele frequency attached by ClinVar (database versions not stated): ExAC 0.00014; gnomAD exomes 0.00014 and 0.00029; gnomAD 0.00015; 1000 Genomes Project 30x 0.00016; TOPMed 0.00016; ESP Exome Variant Server 0.00017; 1000 Genomes Project 0.00020.
gnomAD v4.1: 436 of 1,598,824 alleles (0.027%); highest among the groups gnomAD compares: Non-Finnish European, 0.035%; no homozygotes.

Submissions (2):

CeGaT Center for Human Genetics Tuebingen
Classification: Likely benign. Last evaluated: 2026-05-01. Review status: criteria provided, single submitter. Criteria: CeGaT Center For Human Genetics Tuebingen Variant Classification Criteria Version 2. Collection method: clinical testing. Allele origin: germline. Affected: yes. Observed: 2 variant alleles.
Comment: PRR12: BP4, BP7

Labcorp Genetics (formerly Invitae), Labcorp
Classification: Likely benign. Last evaluated: 2018-04-16. Review status: criteria provided, single submitter. Criteria: Invitae Variant Classification Sherloc (09022015). Collection method: clinical testing. Allele origin: germline.